The following is an entry in ClinVar:

ClinVar aggregate classification (germline): Uncertain significance (1 of 4 stars; one submission).

Submission:

Labcorp Genetics (formerly Invitae), Labcorp
Classification: Uncertain significance. Last evaluated: 2023-02-15. Review status: criteria provided, single submitter. Criteria: Invitae Variant Classification Sherloc (09022015). Collection method: clinical testing. Allele origin: germline.
Comment: Advanced modeling of protein sequence and biophysical properties (such as structural, functional, and spatial information, amino acid conservation, physicochemical variation, residue mobility, and thermodynamic stability) performed at Invitae indicates that this missense variant is not expected to disrupt COL4A2 protein function. In summary, the available evidence is currently insufficient to determine the role of this variant in disease. Therefore, it has been classified as a Variant of Uncertain Significance. This variant has not been reported in the literature in individuals affected with COL4A2-related conditions. This sequence change replaces lysine, which is basic and polar, with glutamic acid, which is acidic and polar, at codon 1205 of the COL4A2 protein (p.Lys1205Glu). This variant is not present in population databases (gnomAD no frequency).

NM_001846.4(COL4A2):c.3613A>G (p.Lys1205Glu)

Gene: COL4A2 (collagen type IV alpha 2 chain; plus strand). Cytogenetic location: 13q34.
Variant type: single nucleotide variant.
Coding change: c.3613A>G on transcript NM_001846.4 (MANE Select); coding-DNA position 3613, A replaced by G.
Protein change: p.Lys1205Glu; replaces lysine 1205 with glutamic acid.
Molecular consequence: missense variant.
Genome position (GRCh38, 1-based): chr13:110,493,261, A>G. VCF-style: chr13-110493261-A-G. GRCh37 (hg19) VCF-style: chr13-111145608-A-G.
Other names: short protein forms K1205E.
Identifiers: ClinVar variation 2836786 (VCV002836786.3), dbSNP rs2502185090, ClinGen allele CA388732985.
Genomic context (GRCh38, chr13:110,493,261, plus strand): 5'-ACCCCCGCAGGTTTTCCGGGACTCCGTGGGATCCGCGGCTTACACGGCTTGCCAGGCACC[A>G]AGGGCTTTCCAGGATCCCCAGGTACTCTGTGCCGTCCCAGCCCCGAGTCCCACGCAGAGG-3'
Protein context (NP_001837.2, residues 1195-1215): IRGLHGLPGT[Lys1205Glu]GFPGSPGSDI